The following is an entry in ClinVar:

NM_000565.4(IL6R):c.950-5C>T

Gene: IL6R (interleukin 6 receptor; plus strand). Cytogenetic location: 1q21.3.
Variant type: single nucleotide variant.
Coding change: c.950-5C>T on transcript NM_000565.4 (MANE Select); 5 bases into the intron before coding-DNA position 950, C replaced by T.
Molecular consequence: intron variant.
Genome position (GRCh38, 1-based): chr1:154,448,120, C>T. VCF-style: chr1-154448120-C-T. GRCh37 (hg19) VCF-style: chr1-154420596-C-T.
Other names: c.950-5C>T (NM_000565.3, NM_001382769.1, NM_181359.3); c.998-5C>T (NM_001382771.1, NM_001382773.1); c.1043-5C>T (NM_001382770.1); c.944-5C>T (NM_001382772.1); c.590-5C>T (NM_001382774.1).
Identifiers: ClinVar variation 2186265 (VCV002186265.6), dbSNP rs201949342, ClinGen allele CA1129209.

ClinVar aggregate classification (germline): Likely benign. Review status: criteria provided, single submitter (1 of 4 stars). 2 submissions from 2 submitters: Likely benign (1). 1 of the submissions does not count toward it. Last evaluated 2025-11-17.

Conditions:
IL6R-related disorder. Also called: IL6R-related condition.

Allele frequency attached by ClinVar (database versions not stated): gnomAD exomes 0.00003; ExAC 0.00004; ESP Exome Variant Server 0.00008; gnomAD 0.00010; TOPMed 0.00014; 1000 Genomes Project 30x 0.00031; 1000 Genomes Project 0.00040.
gnomAD v4.1: 65 of 1,612,982 alleles (0.004%); highest among the groups gnomAD compares: African/African-American, 0.04%; no homozygotes.

Submissions (2):

Labcorp Genetics (formerly Invitae), Labcorp
Classification: Likely benign. Last evaluated: 2025-11-17. Review status: criteria provided, single submitter. Criteria: Invitae Variant Classification Sherloc (09022015). Collection method: clinical testing. Allele origin: germline.

PreventionGenetics, part of Exact Sciences
Classification: Likely benign for IL6R-related condition. Last evaluated: 2019-08-14. Review status: no assertion criteria provided. Collection method: clinical testing. Allele origin: germline. Not counted in ClinVar's aggregate classification.
Comment: This variant is classified as likely benign based on ACMG/AMP sequence variant interpretation guidelines (Richards et al. 2015 PMID: 25741868, with internal and published modifications).